The following is an entry in ClinVar:

ClinVar aggregate classification (germline): Uncertain significance. Review status: criteria provided, multiple submitters, no conflicts (2 of 4 stars). 3 submissions from 3 submitters: Uncertain significance (3). Last evaluated 2023-08-31.

Conditions:
Epidermolysis bullosa simplex with nail dystrophy (EBS5D). Identifiers: MedGen C4225309, MONDO:0014661, OMIM 616487.
Autosomal recessive limb-girdle muscular dystrophy type 2Q (LGMDR17). Also called: MUSCULAR DYSTROPHY, LIMB-GIRDLE, AUTOSOMAL RECESSIVE 17. Identifiers: Orphanet 254361, MedGen C3150989, MONDO:0013390, OMIM 613723.
Epidermolysis bullosa simplex 5B, with muscular dystrophy (EBS5B). Also called: EPIDERMOLYSIS BULLOSA SIMPLEX AND LIMB-GIRDLE MUSCULAR DYSTROPHY; Epidermolysis bullosa simplex with muscular dystrophy. Identifiers: Orphanet 257, MedGen C2931072, MONDO:0009181, OMIM 226670.
Epidermolysis bullosa simplex 5C, with pyloric atresia (EBS5C). Also called: PLEC-Related Epidermolysis Bullosa with Pyloric Atresia; Epidermolysis bullosa simplex with pyloric atresia; PLEC1-Related Epidermolysis Bullosa with Pyloric Atresia. Identifiers: Orphanet 158684, MedGen C2677349, MONDO:0012807, OMIM 612138.
Epidermolysis bullosa simplex, Ogna type (EBS5A). Also called: EPIDERMOLYSIS BULLOSA SIMPLEX 5A, OGNA TYPE; Pidermolysis bullosa simplex 5A, Ogna type. Identifiers: Orphanet 79401, MedGen C0432317, MONDO:0007555, OMIM 131950.
Inborn genetic diseases. Identifiers: MedGen C0950123, MeSH D030342.

Allele frequency attached by ClinVar (database versions not stated): TOPMed below 0.00001; ExAC 0.00001; gnomAD exomes 0.00002.
gnomAD v4.1: 33 of 1,611,754 alleles (0.002%); highest among the groups gnomAD compares: Non-Finnish European, 0.0026%; no homozygotes.

Submissions (3):

Labcorp Genetics (formerly Invitae), Labcorp
Classification: Uncertain significance for Autosomal recessive limb-girdle muscular dystrophy type 2Q; Epidermolysis bullosa simplex, Ogna type; Epidermolysis bullosa simplex with nail dystrophy; Epidermolysis bullosa simplex 5C, with pyloric atresia; Epidermolysis bullosa simplex 5B, with muscular dystrophy. Last evaluated: 2023-08-31. Review status: criteria provided, single submitter. Criteria: Invitae Variant Classification Sherloc (09022015). Collection method: clinical testing. Allele origin: germline.
Comment: This variant has not been reported in the literature in individuals affected with PLEC-related conditions. In summary, the available evidence is currently insufficient to determine the role of this variant in disease. Therefore, it has been classified as a Variant of Uncertain Significance. Advanced modeling of protein sequence and biophysical properties (such as structural, functional, and spatial information, amino acid conservation, physicochemical variation, residue mobility, and thermodynamic stability) performed at Invitae indicates that this missense variant is not expected to disrupt PLEC protein function. ClinVar contains an entry for this variant (Variation ID: 1879722). This variant is present in population databases (rs782348004, gnomAD 0.0009%). This sequence change replaces valine, which is neutral and non-polar, with alanine, which is neutral and non-polar, at codon 4455 of the PLEC protein (p.Val4455Ala).

CeGaT Center for Human Genetics Tuebingen
Classification: Uncertain significance. Last evaluated: 2022-11-01. Review status: criteria provided, single submitter. Criteria: CeGaT Center For Human Genetics Tuebingen Variant Classification Criteria Version 2. Collection method: clinical testing. Allele origin: germline. Affected: yes. Observed: 1 variant allele.

Ambry Genetics
Classification: Uncertain significance for Inborn genetic diseases. Last evaluated: 2022-10-26. Review status: criteria provided, single submitter. Criteria: Ambry Variant Classification Scheme 2023. Collection method: clinical testing. Allele origin: germline.

NM_201384.3(PLEC):c.13283T>C (p.Val4428Ala)

Gene: PLEC (plectin; minus strand). Cytogenetic location: 8q24.3.
Variant type: single nucleotide variant.
Coding change: c.13283T>C on transcript NM_201384.3 (MANE Select); coding-DNA position 13283, T replaced by C.
Protein change: p.Val4428Ala; replaces valine 4428 with alanine.
Molecular consequence: missense variant.
Genome position (GRCh38, 1-based): chr8:143,916,538, A>G on the plus strand (T>C on the coding strand, the complement: PLEC is on the minus strand). VCF-style: chr8-143916538-A-G. GRCh37 (hg19) VCF-style: chr8-144990706-A-G.
Other names: c.13364T>C, p.Val4455Ala (NM_000445.5); c.9983T>C, p.Val3328Ala (NM_001410941.1); c.13241T>C, p.Val4414Ala (NM_201378.4); c.13217T>C, p.Val4406Ala (NM_201379.3); c.13364T>C (NM_000445.3); c.13694T>C, p.Val4565Ala (NM_201380.4); c.13187T>C, p.Val4396Ala (NM_201381.3); c.13283T>C, p.Val4428Ala (NM_201382.4); and 1 more; short protein forms V3328A, V4396A, V4406A, V4414A, V4428A, V4432A, V4455A, V4565A.
Identifiers: ClinVar variation 1879722 (VCV001879722.35), dbSNP rs782348004, ClinGen allele CA4923851.